The following is an entry in ClinVar:

ClinVar aggregate classification (germline): Pathogenic (1 of 4 stars; one submission).

Conditions:
Tuberous sclerosis 1 (TSC1). Identifiers: Orphanet 805, MedGen C1854465, MONDO:0008612, OMIM 191100.

Submission:

Labcorp Genetics (formerly Invitae), Labcorp
Classification: Pathogenic for Tuberous sclerosis 1. Last evaluated: 2021-11-05. Review status: criteria provided, single submitter. Criteria: Invitae Variant Classification Sherloc (09022015). Collection method: clinical testing. Allele origin: germline.
Comment: This sequence change creates a premature translational stop signal (p.Val640Glyfs*48) in the TSC1 gene. It is expected to result in an absent or disrupted protein product. Loss-of-function variants in TSC1 are known to be pathogenic (PMID: 10227394, 17304050). This variant is not present in population databases (gnomAD no frequency). This variant has not been reported in the literature in individuals affected with TSC1-related conditions. For these reasons, this variant has been classified as Pathogenic.

Literature cited by the submitters: PubMed 10227394; PubMed 17304050.

NM_000368.5(TSC1):c.1918dup (p.Val640fs)

Gene: TSC1 (TSC complex subunit 1; minus strand). Cytogenetic location: 9q34.13.
Variant type: Duplication.
Coding change: c.1918dup on transcript NM_000368.5 (MANE Select); coding-DNA position 1918, one base duplicated (G; older notation c.1918dupG).
Protein change: p.Val640fs; shifts the reading frame from valine 640.
Molecular consequence: frameshift variant.
Genome position (GRCh38, 1-based): chr9:132,905,660, C duplicated on the plus strand (G on the coding strand, the reverse complement: TSC1 is on the minus strand). VCF-style (leftmost placement, unchanged base first): chr9-132905659-A-AC. GRCh37 (hg19) VCF-style: chr9-135781046-A-AC.
Other names: c.1765dup, p.Val589fs (NM_001162427.2); c.1555dup, p.Val519fs (NM_001362177.2); c.1915dup, p.Val639fs (NM_001162426.2); short protein forms V519fs, V640fs, V639fs, V589fs.
Identifiers: ClinVar variation 1457779 (VCV001457779.6), dbSNP rs2131813354, ClinGen allele CA2573144273.